The following is an entry in ClinVar:

ClinVar aggregate classification (germline): Uncertain significance (1 of 4 stars; one submission).

Submission:

Labcorp Genetics (formerly Invitae), Labcorp
Classification: Uncertain significance. Last evaluated: 2025-03-26. Review status: criteria provided, single submitter. Criteria: Invitae Variant Classification Sherloc (09022015). Collection method: clinical testing. Allele origin: germline.
Comment: This sequence change replaces tryptophan, which is neutral and slightly polar, with leucine, which is neutral and non-polar, at codon 486 of the CFI protein (p.Trp486Leu). This variant is not present in population databases (gnomAD no frequency). This variant has not been reported in the literature in individuals affected with CFI-related conditions. Invitae Evidence Modeling of protein sequence and biophysical properties (such as structural, functional, and spatial information, amino acid conservation, physicochemical variation, residue mobility, and thermodynamic stability) indicates that this missense variant is expected to disrupt CFI protein function with a positive predictive value of 80%. In summary, the available evidence is currently insufficient to determine the role of this variant in disease. Therefore, it has been classified as a Variant of Uncertain Significance.

NM_000204.5(CFI):c.1457G>T (p.Trp486Leu)

Gene: CFI (complement factor I; minus strand). Cytogenetic location: 4q25.
Variant type: single nucleotide variant.
Coding change: c.1457G>T on transcript NM_000204.5 (MANE Select); coding-DNA position 1457, G replaced by T.
Protein change: p.Trp486Leu; replaces tryptophan 486 with leucine.
Molecular consequence: missense variant. On other transcripts: non-coding transcript variant (3).
Genome position (GRCh38, 1-based): chr4:109,742,568, C>A on the plus strand (G>T on the coding strand, the complement: CFI is on the minus strand). VCF-style: chr4-109742568-C-A. GRCh37 (hg19) VCF-style: chr4-110663724-C-A.
Other names: c.1481G>T, p.Trp494Leu (NM_001318057.2, NM_001375278.1, NM_001440988.1); c.1436G>T, p.Trp479Leu (NM_001331035.2, NM_001375280.1, NM_001375282.1 and 1 more transcripts); c.1457G>T, p.Trp486Leu (NM_001375279.1, NM_001375281.1, NM_001440989.1); c.1400G>T, p.Trp467Leu (NM_001375283.1); c.848G>T, p.Trp283Leu (NM_001375284.1); c.1478G>T, p.Trp493Leu (NM_001440985.1, NM_001440986.1); short protein forms W467L, W493L, W486L, W494L, W283L, W479L.
Identifiers: ClinVar variation 4744570 (VCV004744570.1).